The following is an entry in ClinVar:

ClinVar aggregate classification (germline): Uncertain significance (1 of 4 stars; one submission).

Conditions:
Hereditary spastic paraplegia 39 (SPG39). Also called: Spastic Paraplegia Type 39 (SPG39); SPASTIC PARAPLEGIA 39, AUTOSOMAL RECESSIVE. Identifiers: Orphanet 139480, MedGen C2677586, MONDO:0012787, OMIM 612020.

Allele frequency attached by ClinVar (database versions not stated): gnomAD 0.00001; TOPMed 0.00002; ESP Exome Variant Server 0.00008.
gnomAD v4.1: 30 of 1,613,688 alleles (0.0019%); highest among the groups gnomAD compares: East Asian, 0.0067%; no homozygotes.

Submission:

Labcorp Genetics (formerly Invitae), Labcorp
Classification: Uncertain significance for Hereditary spastic paraplegia 39. Last evaluated: 2023-10-13. Review status: criteria provided, single submitter. Criteria: Invitae Variant Classification Sherloc (09022015). Collection method: clinical testing. Allele origin: germline.
Comment: This sequence change replaces arginine, which is basic and polar, with histidine, which is basic and polar, at codon 493 of the PNPLA6 protein (p.Arg493His). This variant is present in population databases (rs374297942, gnomAD 0.02%). This variant has not been reported in the literature in individuals affected with PNPLA6-related conditions. ClinVar contains an entry for this variant (Variation ID: 1384192). Advanced modeling of protein sequence and biophysical properties (such as structural, functional, and spatial information, amino acid conservation, physicochemical variation, residue mobility, and thermodynamic stability) has been performed at Invitae for this missense variant, however the output from this modeling did not meet the statistical confidence thresholds required to predict the impact of this variant on PNPLA6 protein function. In summary, the available evidence is currently insufficient to determine the role of this variant in disease. Therefore, it has been classified as a Variant of Uncertain Significance.

NM_001166114.2(PNPLA6):c.1595G>A (p.Arg532His)

Gene: PNPLA6 (patatin like domain 6, lysophospholipase; plus strand). Cytogenetic location: 19p13.2.
Variant type: single nucleotide variant.
Coding change: c.1595G>A on transcript NM_001166114.2 (MANE Select); coding-DNA position 1595, G replaced by A.
Protein change: p.Arg532His; replaces arginine 532 with histidine.
Molecular consequence: missense variant. On other transcripts: intron variant (1).
Genome position (GRCh38, 1-based): chr19:7,543,071, G>A. VCF-style: chr19-7543071-G-A. GRCh37 (hg19) VCF-style: chr19-7607957-G-A.
Other names: c.1622G>A, p.Arg541His (NM_001166111.2); c.1478G>A, p.Arg493His (NM_001166113.1, NM_006702.5); c.1413+143G>A (NM_001166112.2); short protein forms R541H, R493H, R532H.
Identifiers: ClinVar variation 1384192 (VCV001384192.6), dbSNP rs374297942, ClinGen allele CA9139871.